The following is an entry in ClinVar:

NM_014639.4(SKIC3):c.3829A>G (p.Met1277Val)

Gene: SKIC3 (SKI3 subunit of superkiller complex; minus strand). Cytogenetic location: 5q15.
Variant type: single nucleotide variant.
Coding change: c.3829A>G on transcript NM_014639.4 (MANE Select); coding-DNA position 3829, A replaced by G.
Protein change: p.Met1277Val; replaces methionine 1277 with valine.
Molecular consequence: missense variant.
Genome position (GRCh38, 1-based): chr5:95,491,010, T>C on the plus strand (A>G on the coding strand, the complement: SKIC3 is on the minus strand). VCF-style: chr5-95491010-T-C. GRCh37 (hg19) VCF-style: chr5-94826714-T-C.
Other names: short protein forms M1277V.
Identifiers: ClinVar variation 1962043 (VCV001962043.2), dbSNP rs576659434, ClinGen allele CA3346577.

ClinVar aggregate classification (germline): Uncertain significance (1 of 4 stars; one submission).

Allele frequency attached by ClinVar (database versions not stated): TOPMed below 0.00001; 1000 Genomes Project 0.00020; gnomAD 0.00001; gnomAD exomes 0.00001; ExAC 0.00002; 1000 Genomes Project 30x 0.00016.
gnomAD v4.1: 16 of 1,614,026 alleles (0.00099%); highest among the groups gnomAD compares: South Asian, 0.016%; no homozygotes.

Submission:

Labcorp Genetics (formerly Invitae), Labcorp
Classification: Uncertain significance. Last evaluated: 2022-05-29. Review status: criteria provided, single submitter. Criteria: Invitae Variant Classification Sherloc (09022015). Collection method: clinical testing. Allele origin: germline.
Comment: This sequence change replaces methionine, which is neutral and non-polar, with valine, which is neutral and non-polar, at codon 1277 of the TTC37 protein (p.Met1277Val). This variant is present in population databases (rs576659434, gnomAD 0.02%). This variant has not been reported in the literature in individuals affected with TTC37-related conditions. Algorithms developed to predict the effect of missense changes on protein structure and function (SIFT, PolyPhen-2, Align-GVGD) all suggest that this variant is likely to be tolerated. In summary, the available evidence is currently insufficient to determine the role of this variant in disease. Therefore, it has been classified as a Variant of Uncertain Significance.